The following is an entry in ClinVar:

NM_001184880.2(PCDH19):c.2675+8G>T

Gene: PCDH19 (protocadherin 19; minus strand). Cytogenetic location: Xq22.1.
Variant type: single nucleotide variant.
Coding change: c.2675+8G>T on transcript NM_001184880.2 (MANE Select); 8 bases into the intron after coding-DNA position 2675, G replaced by T.
Molecular consequence: intron variant.
Genome position (GRCh38, 1-based): chrX:100,350,638, C>A on the plus strand (G>T on the coding strand, the complement: PCDH19 is on the minus strand). VCF-style: chrX-100350638-C-A. GRCh37 (hg19) VCF-style: chrX-99605636-C-A.
Other names: c.2675+8G>T (NM_001184880.1); c.2534+8G>T (NM_020766.3, NM_001105243.2).
Identifiers: ClinVar variation 4951956 (VCV004951956.2).
Genomic context (GRCh38, chrX:100,350,638, plus strand): 5'-TTAATCTGTTTTGCTTTTTAATGTTAAATCAAGCTTAGTTGCAGCAATAAGCAAGCAAAC[C>A]AACATACCTCTTGATTAAATGGGCTCGGCTATTCACGTAGTTGGAGTCAAAAGAATAGTT-3'

ClinVar aggregate classification (germline): Likely benign. Review status: criteria provided, multiple submitters, no conflicts (2 of 4 stars). 2 submissions from 2 submitters: Likely benign (2). Last evaluated 2025-10-03.

Conditions:
PCDH19-related disorder. Also called: PCDH19-related condition.

Submissions (2):

PreventionGenetics, part of Exact Sciences
Classification: Likely benign for PCDH19-related condition. Last evaluated: 2025-10-03. Review status: criteria provided, single submitter. Criteria: ACMG Guidelines, 2015. Collection method: clinical testing. Allele origin: germline.
Comment: This variant is classified as likely benign based on ACMG/AMP sequence variant interpretation guidelines (Richards et al. 2015 PMID: 25741868, with internal and published modifications).

Blueprint Genetics
Classification: Likely benign. Last evaluated: 2023-09-12. Review status: criteria provided, single submitter. Criteria: ACMG Guidelines, 2015. Collection method: clinical testing. Allele origin: germline.